The following is an entry in ClinVar:

NM_006767.4(LZTR1):c.200+4C>A

Gene: LZTR1 (leucine zipper like post translational regulator 1; plus strand). Cytogenetic location: 22q11.21.
Variant type: single nucleotide variant.
Coding change: c.200+4C>A on transcript NM_006767.4 (MANE Select); 4 bases into the intron after coding-DNA position 200, C replaced by A.
Molecular consequence: intron variant.
Genome position (GRCh38, 1-based): chr22:20,982,575, C>A. VCF-style: chr22-20982575-C-A. GRCh37 (hg19) VCF-style: chr22-21336864-C-A.
Identifiers: ClinVar variation 4859387 (VCV004859387.1).

ClinVar aggregate classification (germline): Uncertain significance (1 of 4 stars; one submission).

Conditions:
Cardiovascular phenotype. Identifiers: MedGen CN230736.
Hereditary cancer-predisposing syndrome. Also called: Neoplastic Syndromes, Hereditary; Tumor predisposition; Hereditary Cancer Syndrome; Hereditary neoplastic syndrome. Identifiers: Orphanet 140162, MedGen C0027672, MeSH D009386, MONDO:0015356.

Submission:

Ambry Genetics
Classification: Uncertain significance for Cardiovascular phenotype; Hereditary cancer-predisposing syndrome. Last evaluated: 2026-04-28. Review status: criteria provided, single submitter. Criteria: Ambry Variant Classification Scheme 2023. Collection method: clinical testing. Allele origin: germline.
Comment: The c.200+4C>A intronic variant results from a C to A substitution 4 nucleotides after coding exon 1 in the LZTR1 gene. This nucleotide position is well conserved in available vertebrate species. In silico splice site analysis predicts that this alteration will result in the creation or strengthening of a novel splice donor site. Based on the available evidence, the clinical significance of this variant remains unclear.